The following is an entry in ClinVar:

ClinVar aggregate classification (germline): Uncertain significance (1 of 4 stars; one submission).

Submission:

CeGaT Center for Human Genetics Tuebingen
Classification: Uncertain significance. Last evaluated: 2025-02-01. Review status: criteria provided, single submitter. Criteria: CeGaT Center For Human Genetics Tuebingen Variant Classification Criteria Version 2. Collection method: clinical testing. Allele origin: germline. Affected: yes. Observed: 1 variant allele.
Comment: HNRNPU: PM2

NM_031844.3(HNRNPU):c.1829A>G (p.Asp610Gly)

Gene: HNRNPU (heterogeneous nuclear ribonucleoprotein U; minus strand). Cytogenetic location: 1q44.
Variant type: single nucleotide variant.
Coding change: c.1829A>G on transcript NM_031844.3 (MANE Select); coding-DNA position 1829, A replaced by G.
Protein change: p.Asp610Gly; replaces aspartic acid 610 with glycine.
Molecular consequence: missense variant.
Genome position (GRCh38, 1-based): chr1:244,856,540, T>C on the plus strand (A>G on the coding strand, the complement: HNRNPU is on the minus strand). VCF-style: chr1-244856540-T-C. GRCh37 (hg19) VCF-style: chr1-245019842-T-C.
Other names: c.1772A>G, p.Asp591Gly (NM_004501.3); short protein forms D591G, D610G.
Identifiers: ClinVar variation 3778387 (VCV003778387.7).